The following is an entry in ClinVar:

ClinVar aggregate classification (germline): Pathogenic (1 of 4 stars; one submission).

Conditions:
Lynch syndrome 5 (LYNCH5). Also called: Colorectal cancer, hereditary nonpolyposis, type 5; Hereditary non-polyposis colorectal cancer, type 5. Identifiers: Orphanet 144, MedGen C1833477, MONDO:0013710, OMIM 614350. Disease mechanism: loss of function.

Submission:

Myriad Genetics, Inc.
Classification: Pathogenic for Lynch syndrome 5. Last evaluated: 2023-08-14. Review status: criteria provided, single submitter. Criteria: Myriad Autosomal Dominant, Autosomal Recessive and X-Linked Classification Criteria (2023). Collection method: clinical testing. Allele origin: unknown.
Comment: This variant is considered pathogenic. This variant creates a frameshift predicted to result in premature protein truncation.

NM_000179.3(MSH6):c.1463del (p.Thr488fs)

Gene: MSH6 (mutS homolog 6; plus strand). Cytogenetic location: 2p16.3.
Variant type: Deletion.
Coding change: c.1463del on transcript NM_000179.3 (MANE Select); coding-DNA position 1463, one base deleted (C; older notation c.1463delC).
Protein change: p.Thr488fs; shifts the reading frame from threonine 488.
Molecular consequence: frameshift variant. On other transcripts: non-coding transcript variant (4), intron variant (1).
Genome position (GRCh38, 1-based): chr2:47,799,446, C deleted. VCF-style (leftmost placement, unchanged base first): chr2-47799445-AC-A. GRCh37 (hg19) VCF-style: chr2-48026584-AC-A.
Other names: c.1073del, p.Thr358fs (NM_001281492.2); c.557del, p.Thr186fs (NM_001281493.2, NM_001281494.2, NM_001406811.1 and 6 more transcripts); c.1559del, p.Thr520fs (NM_001406795.1, NM_001406802.1); c.1463del, p.Thr488fs (NM_001406796.1, NM_001406798.1, NM_001406800.1 and 4 more transcripts); c.1166del, p.Thr389fs (NM_001406797.1, NM_001406801.1, NM_001406805.1 and 10 more transcripts); c.938del, p.Thr313fs (NM_001406799.1, NM_001406806.1, NM_001406807.1); c.1385del, p.Thr462fs (NM_001406804.1); c.1469del, p.Thr490fs (NM_001406813.1); and 2 more; short protein forms T186fs, T313fs, T358fs, T389fs, T432fs, T462fs, T488fs, T490fs.
Identifiers: ClinVar variation 2673622 (VCV002673622.1), dbSNP rs2530611280, ClinGen allele CA2695200584.